The following is an entry in ClinVar:

ClinVar aggregate classification (germline): Uncertain significance (1 of 4 stars; one submission).

Conditions:
Hereditary cancer-predisposing syndrome. Also called: Neoplastic Syndromes, Hereditary; Tumor predisposition; Hereditary neoplastic syndrome; Hereditary Cancer Syndrome. Identifiers: Orphanet 140162, MedGen C0027672, MeSH D009386, MONDO:0015356.

Submission:

Ambry Genetics
Classification: Uncertain significance for Hereditary cancer-predisposing syndrome. Last evaluated: 2024-04-13. Review status: criteria provided, single submitter. Criteria: Ambry Variant Classification Scheme 2023. Collection method: clinical testing. Allele origin: germline.
Comment: The p.W231L variant (also known as c.692G>T), located in coding exon 3 of the XRCC2 gene, results from a G to T substitution at nucleotide position 692. The tryptophan at codon 231 is replaced by leucine, an amino acid with similar properties. This amino acid position is conserved. In addition, the in silico prediction for this alteration is inconclusive. Based on the available evidence, the clinical significance of this variant remains unclear.

NM_005431.2(XRCC2):c.692G>T (p.Trp231Leu)

Gene: XRCC2 (X-ray repair cross complementing 2; minus strand). Cytogenetic location: 7q36.1.
Variant type: single nucleotide variant.
Coding change: c.692G>T on transcript NM_005431.2 (MANE Select); coding-DNA position 692, G replaced by T.
Protein change: p.Trp231Leu; replaces tryptophan 231 with leucine.
Molecular consequence: missense variant.
Genome position (GRCh38, 1-based): chr7:152,648,793, C>A on the plus strand (G>T on the coding strand, the complement: XRCC2 is on the minus strand). VCF-style: chr7-152648793-C-A. GRCh37 (hg19) VCF-style: chr7-152345878-C-A.
Other names: short protein forms W231L.
Identifiers: ClinVar variation 3333537 (VCV003333537.1).